The following is an entry in ClinVar:

NM_198428.3(BBS9):c.2223_2224delinsTT (p.Trp741_Gln742delinsCysTer)

Gene: BBS9 (Bardet-Biedl syndrome 9; plus strand). Cytogenetic location: 7p14.3.
Variant type: Indel.
Coding change: c.2223_2224delinsTT on transcript NM_198428.3 (MANE Select); coding-DNA positions 2223 to 2224, GC replaced by TT.
Protein change: p.Trp741_Gln742delinsCysTer.
Molecular consequence: nonsense. On other transcripts: non-coding transcript variant (3), intron variant (1).
Genome position (GRCh38, 1-based): chr7:33,505,570-33,505,571, GC replaced by TT. VCF-style: chr7-33505570-GC-TT. GRCh37 (hg19) VCF-style: chr7-33545182-GC-TT.
Other names: c.2118_2119delinsTT, p.Trp706_Gln707delinsCysTer (NM_001033604.2); c.2208_2209delinsTT, p.Trp736_Gln737delinsCysTer (NM_001033605.2); c.2223_2224delinsTT, p.Trp741_Gln742delinsCysTer (NM_001348036.1, NM_001348041.4, NM_001348043.3 and 1 more transcripts); c.1950_1951delinsTT, p.Trp650_Gln651delinsCysTer (NM_001348038.3); c.1845_1846delinsTT, p.Trp615_Gln616delinsCysTer (NM_001348039.3); c.2103_2104delinsTT, p.Trp701_Gln702delinsCysTer (NM_001348040.3, NM_014451.4); c.2088_2089delinsTT, p.Trp696_Gln697delinsCysTer (NM_001348042.3); c.1752_1753delinsTT, p.Trp584_Gln585delinsCysTer (NM_001348044.3); and 3 more.
Identifiers: ClinVar variation 2763421 (VCV002763421.3), dbSNP rs2537396400, ClinGen allele CA2697557206.
Genomic context (GRCh38, chr7:33,505,570, plus strand): 5'-CCAGTCATTCACCAGGCTGAAGAGTGCCACCCATTTGGTGATTCTGCTGATCGCGCTGTG[GC>TT]AGAAGCTTAGTGCTGACCAGGTTGCTATTCTGGAAGCGGCATTTCTGCCGCTACAAGAAG-3'

ClinVar aggregate classification (germline): Pathogenic (1 of 4 stars; one submission).

Conditions:
Bardet-Biedl syndrome (BBS). Identifiers: Orphanet 110, MedGen C0752166, MONDO:0015229.

Submission:

Labcorp Genetics (formerly Invitae), Labcorp
Classification: Pathogenic for Bardet-Biedl syndrome. Last evaluated: 2023-09-26. Review status: criteria provided, single submitter. Criteria: Invitae Variant Classification Sherloc (09022015). Collection method: clinical testing. Allele origin: germline.
Comment: Information on the frequency of this variant in the gnomAD database is not available, as this variant may be reported differently in the database. For these reasons, this variant has been classified as Pathogenic. This variant has not been reported in the literature in individuals affected with BBS9-related conditions. This sequence change creates a premature translational stop signal (p.Trp741_Gln742delinsCys*) in the BBS9 gene. It is expected to result in an absent or disrupted protein product. Loss-of-function variants in BBS9 are known to be pathogenic (PMID: 16380913, 20177705).

Literature cited by the submitters: PubMed 16380913; PubMed 20177705.